The following is an entry in ClinVar:

ClinVar aggregate classification (germline): Uncertain significance (1 of 4 stars; one submission).

Conditions:
RASopathy. Also called: Noonan spectrum disorder; rasopathies. Identifiers: Orphanet 536391, MedGen C5555857, MONDO:0021060.

Submission:

Labcorp Genetics (formerly Invitae), Labcorp
Classification: Uncertain significance for RASopathy. Last evaluated: 2023-05-22. Review status: criteria provided, single submitter. Criteria: Invitae Variant Classification Sherloc (09022015). Collection method: clinical testing. Allele origin: germline.
Comment: This variant has not been reported in the literature in individuals affected with KRAS-related conditions. Algorithms developed to predict the effect of sequence changes on RNA splicing suggest that this variant may disrupt the consensus splice site. In summary, the available evidence is currently insufficient to determine the role of this variant in disease. Therefore, it has been classified as a Variant of Uncertain Significance. This sequence change affects codon 75 of the KRAS mRNA. It is a 'silent' change, meaning that it does not change the encoded amino acid sequence of the KRAS protein. This variant is not present in population databases (gnomAD no frequency).

NM_004985.5(KRAS):c.225G>C (p.Gly75=)

Gene: KRAS (KRAS proto-oncogene, GTPase; minus strand). Cytogenetic location: 12p12.1.
Variant type: single nucleotide variant.
Coding change: c.225G>C on transcript NM_004985.5 (MANE Select); coding-DNA position 225, G replaced by C.
Protein change: p.Gly75=; no amino-acid change (glycine 75 retained).
Molecular consequence: synonymous variant.
Genome position (GRCh38, 1-based): chr12:25,227,299, C>G on the plus strand (G>C on the coding strand, the complement: KRAS is on the minus strand). VCF-style: chr12-25227299-C-G. GRCh37 (hg19) VCF-style: chr12-25380233-C-G.
Other names: c.225G>C, p.Gly75= (NM_033360.4, NM_001369786.1, NM_001369787.1).
Identifiers: ClinVar variation 2799402 (VCV002799402.3), dbSNP rs2141509682, ClinGen allele CA478890272.
Genomic context (GRCh38, chr12:25,227,299, plus strand): 5'-ATGGTGAATATCTTCAAATGATTTAGTATTATTTATGGCAAATACACAAAGAAAGCCCTC[C>G]CCAGTCCTCATGTACTGGTCCCTCATTGCACTGTACTCCTCTTGACCTGCTGTGTCGAGA-3'
Protein context (NP_004976.2, residues 65-85): SAMRDQYMRT[Gly75=]EGFLCVFAIN